The following is an entry in ClinVar:

NM_000287.4(PEX6):c.1495del (p.Leu499fs)

Gene: PEX6 (peroxisomal biogenesis factor 6; minus strand). Cytogenetic location: 6p21.1.
Variant type: Deletion.
Coding change: c.1495del on transcript NM_000287.4 (MANE Select); coding-DNA position 1495, one base deleted (C; older notation c.1495delC).
Protein change: p.Leu499fs; shifts the reading frame from leucine 499.
Molecular consequence: frameshift variant. On other transcripts: non-coding transcript variant (1).
Genome position (GRCh38, 1-based): chr6:42,968,483, G deleted on the plus strand (C on the coding strand, the reverse complement: PEX6 is on the minus strand); the first of 2 consecutive G bases (chr6:42,968,483-42,968,484); deleting either gives the same sequence. VCF-style (leftmost placement, unchanged base first): chr6-42968482-AG-A. GRCh37 (hg19) VCF-style: chr6-42936220-AG-A.
Other names: c.1231del, p.Leu411fs (NM_001316313.2); short protein forms L411fs, L499fs.
Identifiers: ClinVar variation 4081766 (VCV004081766.1).

ClinVar aggregate classification (germline): Pathogenic (1 of 4 stars; one submission).

Conditions:
Peroxisome biogenesis disorder. Identifiers: Orphanet 79189, MedGen C1832200, MONDO:0019234. Disease mechanism: loss of function.

Submission:

Myriad Genetics, Inc.
Classification: Pathogenic for Peroxisome biogenesis disorder. Last evaluated: 2025-01-29. Review status: criteria provided, single submitter. Criteria: Myriad Autosomal Dominant, Autosomal Recessive and X-Linked Classification Criteria (2023). Collection method: clinical testing. Allele origin: unknown.
Comment: NM_000287.3(PEX6):c.1495delC(L499Sfs*49) is a frameshift classified as pathogenic in the context of peroxisome biogenesis disorder type 4. L499Sfs*49 has been observed in a case with relevant disease (PMID: 19877282). Relevant functional assessments of this variant are not available in the literature. L499Sfs*49 has not been observed in referenced population frequency databases. In summary, NM_000287.3(PEX6):c.1495delC(L499Sfs*49) is a frameshift in a gene where loss of function is a known mechanism of disease, is predicted to disrupt protein function, and has been observed more frequently in cases with the relevant disease than in healthy populations. Please note: this variant was assessed in the context of healthy population screening.

Literature cited by the submitters: PubMed 19877282.